The following is an entry in ClinVar:

NM_017777.4(MKS1):c.817C>G (p.Gln273Glu)

Gene: MKS1 (MKS transition zone complex subunit 1; minus strand). Cytogenetic location: 17q22.
Variant type: single nucleotide variant.
Coding change: c.817C>G on transcript NM_017777.4 (MANE Select); coding-DNA position 817, C replaced by G.
Protein change: p.Gln273Glu; replaces glutamine 273 with glutamic acid.
Molecular consequence: missense variant.
Genome position (GRCh38, 1-based): chr17:58,213,023, G>C on the plus strand (C>G on the coding strand, the complement: MKS1 is on the minus strand). VCF-style: chr17-58213023-G-C. GRCh37 (hg19) VCF-style: chr17-56290384-G-C.
Other names: c.208C>G, p.Gln70Glu (NM_001321268.2); c.817C>G, p.Gln273Glu (NM_001321269.2, NM_001330397.2); short protein forms Q273E, Q70E.
Identifiers: ClinVar variation 1060726 (VCV001060726.7), dbSNP rs1968968283, ClinGen allele CA400326413.

ClinVar aggregate classification (germline): Uncertain significance. Review status: criteria provided, single submitter (1 of 4 stars). 2 submissions from 2 submitters: Uncertain significance (1). 1 of the submissions does not count toward it. Last evaluated 2022-03-10.

Conditions:
Joubert syndrome. Also called: Familial aplasia of the vermis; CEREBELLOPARENCHYMAL DISORDER IV; JOUBERT-BOLTSHAUSER SYNDROME. Identifiers: Orphanet 475, MedGen C5979921, MONDO:0018772.
Meckel-Gruber syndrome. Also called: Dysencephalia splachnocystica; DYSENCEPHALIA SPLANCHNOCYSTICA; GRUBER SYNDROME. Identifiers: Orphanet 564, MedGen C0265215, MONDO:0018921.
Meckel syndrome, type 1 (MKS1). Also called: MECKEL-GRUBER SYNDROME, TYPE 1. Identifiers: Orphanet 564, MedGen C3714506, MONDO:0009571, OMIM 249000.

Allele frequency attached by ClinVar (database versions not stated): TOPMed below 0.00001.
gnomAD v4.1: 2 of 1,614,170 alleles (0.00012%); highest among the groups gnomAD compares: Non-Finnish European, 0.00017%; no homozygotes.

Submissions (2):

Labcorp Genetics (formerly Invitae), Labcorp
Classification: Uncertain significance for Joubert syndrome; Meckel-Gruber syndrome. Last evaluated: 2022-03-10. Review status: criteria provided, single submitter. Criteria: Invitae Variant Classification Sherloc (09022015). Collection method: clinical testing. Allele origin: germline.
Comment: This sequence change replaces glutamine, which is neutral and polar, with glutamic acid, which is acidic and polar, at codon 273 of the MKS1 protein (p.Gln273Glu). This variant is not present in population databases (gnomAD no frequency). This variant has not been reported in the literature in individuals affected with MKS1-related conditions. ClinVar contains an entry for this variant (Variation ID: 1060726). Advanced modeling of protein sequence and biophysical properties (such as structural, functional, and spatial information, amino acid conservation, physicochemical variation, residue mobility, and thermodynamic stability) performed at Invitae indicates that this missense variant is not expected to disrupt MKS1 protein function. Algorithms developed to predict the effect of sequence changes on RNA splicing suggest that this variant may create or strengthen a splice site. In summary, the available evidence is currently insufficient to determine the role of this variant in disease. Therefore, it has been classified as a Variant of Uncertain Significance.

Natera, Inc.
Classification: Uncertain significance for Meckel syndrome type 1. Last evaluated: 2020-06-19. Review status: no assertion criteria provided. Collection method: clinical testing. Allele origin: germline. Not counted in ClinVar's aggregate classification.